The following is an entry in ClinVar:

ClinVar aggregate classification (germline): Uncertain significance. Review status: criteria provided, multiple submitters, no conflicts (2 of 4 stars). 3 submissions from 3 submitters: Uncertain significance (3). Last evaluated 2024-11-12.

Conditions:
Classic dopamine transporter deficiency syndrome (PKDYS1). Also called: DOPAMINE TRANSPORTER DEFICIENCY SYNDROME; Parkinsonism-dystonia, infantile, 1. Identifiers: Orphanet 238455, MedGen C5700336, MONDO:0054835, OMIM 613135.
Tobacco addiction, susceptibility to. Also called: CIGARETTE HABITUATION, SUSCEPTIBILITY TO. Identifiers: MedGen C1861063, MONDO:0100460, OMIM 188890.
Parkinsonism-dystonia, infantile. Identifiers: Orphanet 238455, MedGen C2751067, MONDO:0013150.

Allele frequency attached by ClinVar (database versions not stated): gnomAD 0.00034 and 0.00031; ExAC 0.00038; ESP Exome Variant Server 0.00038; gnomAD exomes 0.00059 and 0.00032; TOPMed 0.00032.

Submissions (3):

Blueprint Genetics
Classification: Uncertain significance. Last evaluated: 2024-11-12. Review status: criteria provided, single submitter. Criteria: ACMG Guidelines, 2015. Collection method: clinical testing. Allele origin: germline.

Labcorp Genetics (formerly Invitae), Labcorp
Classification: Uncertain significance for Parkinsonism-dystonia, infantile. Last evaluated: 2022-08-23. Review status: criteria provided, single submitter. Criteria: Invitae Variant Classification Sherloc (09022015). Collection method: clinical testing. Allele origin: germline.
Comment: This sequence change replaces valine, which is neutral and non-polar, with methionine, which is neutral and non-polar, at codon 24 of the SLC6A3 protein (p.Val24Met). This variant is present in population databases (rs201800694, gnomAD 0.06%). This missense change has been observed in individual(s) with Parkinson disease (PMID: 28263315). ClinVar contains an entry for this variant (Variation ID: 538067). Algorithms developed to predict the effect of missense changes on protein structure and function output the following: SIFT: "Tolerated"; PolyPhen-2: "Benign"; Align-GVGD: "Class C0". The methionine amino acid residue is found in multiple mammalian species, which suggests that this missense change does not adversely affect protein function. In summary, the available evidence is currently insufficient to determine the role of this variant in disease. Therefore, it has been classified as a Variant of Uncertain Significance.

Fulgent Genetics
Classification: Uncertain significance for Tobacco addiction, susceptibility to; Classic dopamine transporter deficiency syndrome. Last evaluated: 2018-10-31. Review status: criteria provided, single submitter. Criteria: ACMG Guidelines, 2015. Collection method: clinical testing. Allele origin: unknown.

Literature cited by the submitters: PubMed 28263315 (cited by Labcorp Genetics (formerly Invitae), Labcorp).

NM_001044.5(SLC6A3):c.70G>A (p.Val24Met)

Gene: SLC6A3 (solute carrier family 6 member 3). Cytogenetic location: 5p15.33.
Variant type: single nucleotide variant.
Coding change: c.70G>A on transcript NM_001044.5 (MANE Select); coding-DNA position 70, G replaced by A.
Protein change: p.Val24Met; replaces valine 24 with methionine.
Molecular consequence: missense variant.
Genome position (GRCh38, 1-based): chr5:1,443,128, C>T on the plus strand (G>A on the coding strand, the complement: SLC6A3 is on the minus strand). VCF-style: chr5-1443128-C-T. GRCh37 (hg19) VCF-style: chr5-1443243-C-T.
Other names: short protein forms V24M.
Identifiers: ClinVar variation 538067 (VCV000538067.8), dbSNP rs201800694, ClinGen allele CA3186489.